The following is an entry in ClinVar:

NM_000528.4(MAN2B1):c.664_667del (p.Asp222fs)

Gene: MAN2B1 (mannosidase alpha class 2B member 1; minus strand). Cytogenetic location: 19p13.13.
Variant type: Deletion.
Coding change: c.664_667del on transcript NM_000528.4 (MANE Select); coding-DNA positions 664 to 667, 4 bases deleted (GATT; older notation c.664_667delGATT).
Protein change: p.Asp222fs; shifts the reading frame from aspartic acid 222.
Molecular consequence: frameshift variant.
Genome position (GRCh38, 1-based): chr19:12,663,799-12,663,802, AATC deleted on the plus strand (GATT on the coding strand, the reverse complement: MAN2B1 is on the minus strand); deleting any 4 consecutive bases within chr19:12,663,799-12,663,804 gives the same sequence; the c. name uses the placement nearest the transcript's 3' end. VCF-style (leftmost placement, unchanged base first): chr19-12663798-TAATC-T. GRCh37 (hg19) VCF-style: chr19-12774612-TAATC-T.
Other names: c.664_667del, p.Asp222fs (NM_001173498.2); short protein forms D222fs.
Identifiers: ClinVar variation 2676426 (VCV002676426.4), dbSNP rs2512512484, ClinGen allele CA2695198140.

ClinVar aggregate classification (germline): Pathogenic/Likely pathogenic. Review status: criteria provided, multiple submitters, no conflicts (2 of 4 stars). 2 submissions from 2 submitters: Pathogenic (1); Likely pathogenic (1). Last evaluated 2023-09-13.

Conditions:
Deficiency of alpha-mannosidase (MANSA). Also called: Mannosidosis, alpha-, types I and II; LYSOSOMAL ALPHA-D-MANNOSIDASE DEFICIENCY; Alpha-Mannosidosis. Identifiers: Orphanet 61, MedGen C0024748, MONDO:0009561, OMIM 248500.

Submissions (2):

Baylor Genetics
Classification: Likely pathogenic for Deficiency of alpha-mannosidase. Last evaluated: 2023-09-13. Review status: criteria provided, single submitter. Criteria: ACMG Guidelines, 2015. Collection method: clinical testing. Allele origin: unknown.

Labcorp Genetics (formerly Invitae), Labcorp
Classification: Pathogenic for Deficiency of alpha-mannosidase. Last evaluated: 2022-12-31. Review status: criteria provided, single submitter. Criteria: Invitae Variant Classification Sherloc (09022015). Collection method: clinical testing. Allele origin: germline.
Comment: For these reasons, this variant has been classified as Pathogenic. This variant has not been reported in the literature in individuals affected with MAN2B1-related conditions. This variant is not present in population databases (gnomAD no frequency). This sequence change creates a premature translational stop signal (p.Asp222Ilefs*23) in the MAN2B1 gene. It is expected to result in an absent or disrupted protein product. Loss-of-function variants in MAN2B1 are known to be pathogenic (PMID: 9915946, 22161967).

Literature cited by the submitters: PubMed 9915946 (cited by Labcorp Genetics (formerly Invitae), Labcorp); PubMed 22161967 (cited by Labcorp Genetics (formerly Invitae), Labcorp).